The following is an entry in ClinVar:

ClinVar aggregate classification (germline): Uncertain significance. Review status: criteria provided, multiple submitters, no conflicts (2 of 4 stars). 2 submissions from 2 submitters: Uncertain significance (2). Last evaluated 2026-01-09.

Conditions:
Ehlers-Danlos syndrome, classic type, 1 (EDSCL1). Also called: EHLERS-DANLOS SYNDROME, GRAVIS TYPE; EHLERS-DANLOS SYNDROME, SEVERE CLASSIC TYPE; Ehlers-Danlos syndrome, type 1; Ehlers-Danlos Syndrome, Classic Type, COL5A1-Related; EDS I. Identifiers: MedGen C0268335, MONDO:0019567, OMIM 130000.
Familial thoracic aortic aneurysm and aortic dissection (TAAD). Also called: Thoracic aortic aneurysms and dissections. Identifiers: Orphanet 91387, MedGen C4707243, MONDO:0019625.

Submissions (2):

Ambry Genetics
Classification: Uncertain significance for Familial thoracic aortic aneurysm and aortic dissection. Last evaluated: 2026-01-09. Review status: criteria provided, single submitter. Criteria: Ambry Variant Classification Scheme 2023. Collection method: clinical testing. Allele origin: germline.

Labcorp Genetics (formerly Invitae), Labcorp
Classification: Uncertain significance for Ehlers-Danlos syndrome, classic type, 1. Last evaluated: 2025-08-25. Review status: criteria provided, single submitter. Criteria: Invitae Variant Classification Sherloc (09022015). Collection method: clinical testing. Allele origin: germline.
Comment: This sequence change replaces glycine, which is neutral and non-polar, with valine, which is neutral and non-polar, at codon 197 of the COL5A2 protein (p.Gly197Val). This variant is not present in population databases (gnomAD no frequency). This variant has not been reported in the literature in individuals affected with COL5A2-related conditions. ClinVar contains an entry for this variant (Variation ID: 3726574). Invitae Evidence Modeling of protein sequence and biophysical properties (such as structural, functional, and spatial information, amino acid conservation, physicochemical variation, residue mobility, and thermodynamic stability) indicates that this missense variant is not expected to disrupt COL5A2 protein function with a negative predictive value of 80%. In summary, the available evidence is currently insufficient to determine the role of this variant in disease. Therefore, it has been classified as a Variant of Uncertain Significance.

NM_000393.5(COL5A2):c.590G>T (p.Gly197Val)

Gene: COL5A2 (collagen type V alpha 2 chain; minus strand). Cytogenetic location: 2q32.2.
Variant type: single nucleotide variant.
Coding change: c.590G>T on transcript NM_000393.5 (MANE Select); coding-DNA position 590, G replaced by T.
Protein change: p.Gly197Val; replaces glycine 197 with valine.
Molecular consequence: missense variant.
Genome position (GRCh38, 1-based): chr2:189,088,750, C>A on the plus strand (G>T on the coding strand, the complement: COL5A2 is on the minus strand). VCF-style: chr2-189088750-C-A. GRCh37 (hg19) VCF-style: chr2-189953476-C-A.
Other names: c.590G>T (NM_000393.3); short protein forms G197V.
Identifiers: ClinVar variation 3726574 (VCV003726574.3).